The following is an entry in ClinVar:

NM_003201.3(TFAM):c.102-6A>G

Gene: TFAM (transcription factor A, mitochondrial; plus strand). Cytogenetic location: 10q21.1.
Variant type: single nucleotide variant.
Coding change: c.102-6A>G on transcript NM_003201.3 (MANE Select); 6 bases into the intron before coding-DNA position 102, A replaced by G.
Molecular consequence: intron variant.
Genome position (GRCh38, 1-based): chr10:58,386,214, A>G. VCF-style: chr10-58386214-A-G. GRCh37 (hg19) VCF-style: chr10-60145974-A-G.
Other names: c.102-6A>G (NM_001270782.2).
Identifiers: ClinVar variation 3053130 (VCV003053130.2), dbSNP rs2492081897, ClinGen allele CA2609240476.

ClinVar aggregate classification (germline): Likely benign (0 of 4 stars; one submission).

Conditions:
TFAM-related disorder. Also called: TFAM-related condition.

gnomAD v4.1: 5 of 1,573,396 alleles (0.00032%); highest among the groups gnomAD compares: South Asian, 0.0033%; no homozygotes.

Submission:

PreventionGenetics, part of Exact Sciences
Classification: Likely benign for TFAM-related condition. Last evaluated: 2023-07-16. Review status: no assertion criteria provided. Collection method: clinical testing. Allele origin: germline.
Comment: This variant is classified as likely benign based on ACMG/AMP sequence variant interpretation guidelines (Richards et al. 2015 PMID: 25741868, with internal and published modifications).